The following is an entry in ClinVar:

NM_000059.4(BRCA2):c.5442_5444delinsTAA (p.Thr1815Asn)

Gene: BRCA2 (BRCA2 DNA repair associated; plus strand). Cytogenetic location: 13q13.1.
Variant type: Indel.
Coding change: c.5442_5444delinsTAA on transcript NM_000059.4 (MANE Select); coding-DNA positions 5442 to 5444, GAC replaced by TAA.
Protein change: p.Thr1815Asn; replaces threonine 1815 with asparagine.
Molecular consequence: missense variant.
Genome position (GRCh38, 1-based): chr13:32,339,797-32,339,799, GAC replaced by TAA. VCF-style: chr13-32339797-GAC-TAA. GRCh37 (hg19) VCF-style: chr13-32913934-GAC-TAA.
Other names: c.5442_5444delGACinsTAA (NM_000059.3); short protein forms T1815N.
Identifiers: ClinVar variation 420423 (VCV000420423.4), dbSNP rs1064794470, ClinGen allele CA16619725.
Genomic context (GRCh38, chr13:32,339,797, plus strand): 5'-AAAAGATGCAAATGCATACCCACAAACTGTAAATGAAGATATTTGCGTTGAGGAACTTGT[GAC>TAA]TAGCTCTTCACCCTGCAAAAATAAAAATGCAGCCATTAAATTGTCCATATCTAATAGTAA-3'
Protein context (NP_000050.3, residues 1805-1825): NEDICVEELV[Thr1815Asn]SSSPCKNKNA

ClinVar aggregate classification (germline): Conflicting classifications of pathogenicity. Review status: criteria provided, conflicting classifications (1 of 4 stars). 2 submissions from 2 submitters: Uncertain significance (1); Likely benign (1). Last evaluated 2023-03-23.

Conditions:
Hereditary cancer-predisposing syndrome. Also called: Hereditary neoplastic syndrome; Tumor predisposition; Neoplastic Syndromes, Hereditary; Hereditary Cancer Syndrome. Identifiers: Orphanet 140162, MedGen C0027672, MeSH D009386, MONDO:0015356.

Submissions (2):

University of Washington Department of Laboratory Medicine, University of Washington
Classification: Likely benign for Hereditary cancer-predisposing syndrome. Last evaluated: 2023-03-23. Review status: criteria provided, single submitter. Criteria: Dines et al. (Genet Med. 2020). Collection method: curation. Allele origin: germline.
Comment: Missense variant in a coldspot region where missense variants are very unlikely to be pathogenic (PMID:31911673).

BRCA2 exon 11 coldspot. Reclassification based on statistical prior probability.

GeneDx
Classification: Uncertain significance. Last evaluated: 2016-01-25. Review status: criteria provided, single submitter. Criteria: GeneDx Variant Classification (06012015). Collection method: clinical testing. Allele origin: germline. Affected: yes.
Comment: This variant is denoted BRCA2 c.5442_5444delGACinsTAA at the cDNA level and p.Thr1815Asn (T1815N) at the protein level. The normal sequence, with the bases that are deleted in braces and inserted in brackets, is TTGT[GAC][TAA]TAGC. This in frame deletion and insertion, also denoted c.5670_5672delGACinsTAA using alternate nomenclature, occurs on the same allele (in cis) and results in the missense change of a Threonine for an Asparagine (ACT>AAT). Neither BRCA2 c.5442_5444delGACinsTAA nor BRCA2 Thr1815Asn (by this or an alternate nomenclature) has to our knowledge, been published in the literature as pathogenic or benign. This variant was not observed in approximately 6,500 individuals of European and African American ancestry in the NHLBI Exome Sequencing Project, suggesting it is not a common benign variant in these populations. Since Threonine and Asparagine share similar properties, this is considered a conservative amino acid substitution. BRCA2 Thr1815Asn occurs at a position that is not conserved and is not located in a known functional domain (Borg 2010). In silico analyses predict that this variant is unlikely to alter protein structure or function. Based on currently available information, it is unclear whether BRCA2 Thr1815Asn is pathogenic or benign. We consider it to be a variant of uncertain significance.